The following is an entry in ClinVar:

NM_001148.6(ANK2):c.4228A>G (p.Arg1410Gly)

Gene: ANK2 (ankyrin 2; plus strand). Cytogenetic location: 4q26.
Variant type: single nucleotide variant.
Coding change: c.4228A>G on transcript NM_001148.6 (MANE Select); coding-DNA position 4228, A replaced by G.
Protein change: p.Arg1410Gly; replaces arginine 1410 with glycine.
Molecular consequence: missense variant.
Genome position (GRCh38, 1-based): chr4:113,343,122, A>G. VCF-style: chr4-113343122-A-G. GRCh37 (hg19) VCF-style: chr4-114264278-A-G.
Other names: c.4201A>G, p.Arg1401Gly (NM_001127493.3); c.4240A>G, p.Arg1414Gly (NM_001354225.2); c.4129A>G, p.Arg1377Gly (NM_001354228.2, NM_001354258.2); c.4207A>G, p.Arg1403Gly (NM_001354230.2); c.4270A>G, p.Arg1424Gly (NM_001354231.2, NM_001354242.2); c.4264A>G, p.Arg1422Gly (NM_001354232.2); c.4225A>G, p.Arg1409Gly (NM_001354235.2, NM_001354246.2, NM_001354265.2); c.4126A>G, p.Arg1376Gly (NM_001354236.2); and 31 more; short protein forms R1249G, R1282G, R1310G, R1315G, R1323G, R1335G, R1339G, R1343G.
Identifiers: ClinVar variation 1317081 (VCV001317081.2), dbSNP rs2094471427, ClinGen allele CA357911553.

ClinVar aggregate classification (germline): Uncertain significance (1 of 4 stars; one submission).

Submission:

GeneDx
Classification: Uncertain significance. Last evaluated: 2019-06-27. Review status: criteria provided, single submitter. Criteria: GeneDx Variant Classification Process June 2021. Collection method: clinical testing. Allele origin: germline. Affected: yes.
Comment: Not observed in large population cohorts (Lek et al., 2016); In silico analysis, which includes protein predictors and evolutionary conservation, supports a deleterious effect; Has not been previously published as pathogenic or benign to our knowledge